The following is an entry in ClinVar:

NM_003072.5(SMARCA4):c.1279G>T (p.Asp427Tyr)

Gene: SMARCA4 (SWI/SNF related BAF chromatin remodeling complex subunit ATPase 4; plus strand). Cytogenetic location: 19p13.2.
Variant type: single nucleotide variant.
Coding change: c.1279G>T on transcript NM_003072.5 (MANE Select); coding-DNA position 1279, G replaced by T.
Protein change: p.Asp427Tyr; replaces aspartic acid 427 with tyrosine.
Molecular consequence: missense variant. On other transcripts: non-coding transcript variant (1).
Genome position (GRCh38, 1-based): chr19:10,991,183, G>T. VCF-style: chr19-10991183-G-T. GRCh37 (hg19) VCF-style: chr19-11101859-G-T.
Other names: c.1279G>T, p.Asp427Tyr (NM_001128844.3, NM_001128845.2, NM_001128846.2 and 6 more transcripts); short protein forms D427Y.
Identifiers: ClinVar variation 2851079 (VCV002851079.3), dbSNP rs2086528184, ClinGen allele CA404060572.

ClinVar aggregate classification (germline): Uncertain significance (1 of 4 stars; one submission).

Conditions:
Rhabdoid tumor predisposition syndrome 2 (RTPS2). Identifiers: Orphanet 231108, Orphanet 69077, MedGen C2750074, MONDO:0013224, OMIM 613325.

Submission:

Labcorp Genetics (formerly Invitae), Labcorp
Classification: Uncertain significance for Rhabdoid tumor predisposition syndrome 2. Last evaluated: 2023-03-30. Review status: criteria provided, single submitter. Criteria: Invitae Variant Classification Sherloc (09022015). Collection method: clinical testing. Allele origin: germline.
Comment: Advanced modeling of protein sequence and biophysical properties (such as structural, functional, and spatial information, amino acid conservation, physicochemical variation, residue mobility, and thermodynamic stability) has been performed at Invitae for this missense variant, however the output from this modeling did not meet the statistical confidence thresholds required to predict the impact of this variant on SMARCA4 protein function. In summary, the available evidence is currently insufficient to determine the role of this variant in disease. Therefore, it has been classified as a Variant of Uncertain Significance. This variant has not been reported in the literature in individuals affected with SMARCA4-related conditions. This variant is not present in population databases (gnomAD no frequency). This sequence change replaces aspartic acid, which is acidic and polar, with tyrosine, which is neutral and polar, at codon 427 of the SMARCA4 protein (p.Asp427Tyr).